The following is an entry in ClinVar:

ClinVar aggregate classification (germline): Uncertain significance (1 of 4 stars; one submission).

Conditions:
Hereditary nonpolyposis colorectal neoplasms. Identifiers: MedGen C0009405, MeSH D003123.

Submission:

Labcorp Genetics (formerly Invitae), Labcorp
Classification: Uncertain significance for Hereditary nonpolyposis colorectal neoplasms. Last evaluated: 2021-02-20. Review status: criteria provided, single submitter. Criteria: Invitae Variant Classification Sherloc (09022015). Collection method: clinical testing. Allele origin: germline.
Comment: In summary, the available evidence is currently insufficient to determine the role of this variant in disease. Therefore, it has been classified as a Variant of Uncertain Significance. This sequence change replaces isoleucine with threonine at codon 886 of the MSH6 protein (p.Ile886Thr). The isoleucine residue is weakly conserved and there is a moderate physicochemical difference between isoleucine and threonine. This variant is not present in population databases (ExAC no frequency). This variant has not been reported in the literature in individuals with MSH6-related conditions. Advanced modeling of protein sequence and biophysical properties (such as structural, functional, and spatial information, amino acid conservation, physicochemical variation, residue mobility, and thermodynamic stability) performed at Invitae indicates that this missense variant is not expected to disrupt MSH6 protein function.

NM_000179.3(MSH6):c.2657T>C (p.Ile886Thr)

Gene: MSH6 (mutS homolog 6; plus strand). Cytogenetic location: 2p16.3.
Variant type: single nucleotide variant.
Coding change: c.2657T>C on transcript NM_000179.3 (MANE Select); coding-DNA position 2657, T replaced by C.
Protein change: p.Ile886Thr; replaces isoleucine 886 with threonine.
Molecular consequence: missense variant.
Genome position (GRCh38, 1-based): chr2:47,800,640, T>C. VCF-style: chr2-47800640-T-C. GRCh37 (hg19) VCF-style: chr2-48027779-T-C.
Other names: c.2267T>C, p.Ile756Thr (NM_001281492.2); c.1751T>C, p.Ile584Thr (NM_001281493.2, NM_001281494.2); short protein forms I584T, I756T, I886T.
Identifiers: ClinVar variation 1482874 (VCV001482874.8), dbSNP rs2104417479, ClinGen allele CA346755187.